The following is an entry in ClinVar:

ClinVar aggregate classification (germline): Pathogenic (1 of 4 stars; one submission).

Conditions:
Hereditary cancer-predisposing syndrome. Also called: Hereditary Cancer Syndrome; Neoplastic Syndromes, Hereditary; Hereditary neoplastic syndrome; Tumor predisposition. Identifiers: Orphanet 140162, MedGen C0027672, MeSH D009386, MONDO:0015356.

Submission:

Ambry Genetics
Classification: Pathogenic for Hereditary cancer-predisposing syndrome. Last evaluated: 2016-06-17. Review status: criteria provided, single submitter. Criteria: Ambry Autosomal Dominant and X-Linked criteria (10/2015). Collection method: clinical testing. Allele origin: germline. Observed: 1 variant allele.
Comment: Lines of evidence used in support of classification: Alterations resulting in premature truncation (e.g.reading frame shift, nonsense)

NM_000267.3(NF1):c.7901_7902ins11 (p.?)

Gene: NF1 (neurofibromin 1; plus strand). Cytogenetic location: 17q11.2.
Variant type: Insertion.
Coding change: c.7901_7902ins11 on transcript NM_000267.3; coding-DNA positions 7901 to 7902, an insertion.
Protein change: p.?.
Identifiers: ClinVar variation 429018 (VCV000429018.2).